The following is an entry in ClinVar:

ClinVar aggregate classification (germline): Uncertain significance (1 of 4 stars; one submission).

Submission:

CeGaT Center for Human Genetics Tuebingen
Classification: Uncertain significance. Last evaluated: 2025-02-01. Review status: criteria provided, single submitter. Criteria: CeGaT Center For Human Genetics Tuebingen Variant Classification Criteria Version 2. Collection method: clinical testing. Allele origin: germline. Affected: yes. Observed: 1 variant allele.
Comment: CD36: PM2

NM_001001548.3(CD36):c.1252G>A (p.Glu418Lys)

Gene: CD36 (CD36 molecule (CD36 blood group); plus strand). Cytogenetic location: 7q21.11.
Variant type: single nucleotide variant.
Coding change: c.1252G>A on transcript NM_001001548.3 (MANE Select); coding-DNA position 1252, G replaced by A.
Protein change: p.Glu418Lys; replaces glutamic acid 418 with lysine.
Molecular consequence: missense variant. On other transcripts: non-coding transcript variant (1).
Genome position (GRCh38, 1-based): chr7:80,673,407, G>A. VCF-style: chr7-80673407-G-A. GRCh37 (hg19) VCF-style: chr7-80302723-G-A.
Other names: c.1252G>A, p.Glu418Lys (NM_000072.3, NM_001001547.3, NM_001127443.2 and 5 more transcripts); c.1135G>A, p.Glu379Lys (NM_001289908.1); c.1072G>A, p.Glu358Lys (NM_001289909.1); c.1024G>A, p.Glu342Lys (NM_001289911.2); c.1150G>A, p.Glu384Lys (NM_001371079.1); c.787G>A, p.Glu263Lys (NM_001371080.1, NM_001371081.1); short protein forms E263K, E342K, E358K, E379K, E384K, E418K.
Identifiers: ClinVar variation 3771827 (VCV003771827.13).
Genomic context (GRCh38, chr7:80,673,407, plus strand): 5'-TATTACAGAGTATTAAAGAATCTGAAGAGGAACTATATTGTGCCTATTCTTTGGCTTAAT[G>A]AGGTTTGTATTTGCAGCTGTTAGTCATTAAAAACAACCTTCTTTGTATATAAACAAGCTC-3'
Protein context (NP_001001548.1, residues 408-428): NYIVPILWLN[Glu418Lys]TGTIGDEKAN